The following is an entry in ClinVar:

ClinVar aggregate classification (germline): Likely benign. Review status: criteria provided, multiple submitters, no conflicts (2 of 4 stars). 2 submissions from 2 submitters: Likely benign (2). Last evaluated 2025-02-16.

gnomAD v4.1: 451 of 1,613,610 alleles (0.028%); highest among the groups gnomAD compares: South Asian, 0.069%; 3 homozygotes.

Submissions (2):

Laboratory of Genetics, Children's Clinical University Hospital Latvia
Classification: Likely benign. Last evaluated: 2025-02-16. Review status: criteria provided, single submitter. Criteria: ACMG Guidelines, 2015. Collection method: clinical testing. Allele origin: germline. Affected: yes.

CeGaT Center for Human Genetics Tuebingen
Classification: Likely benign. Last evaluated: 2024-09-01. Review status: criteria provided, single submitter. Criteria: CeGaT Center For Human Genetics Tuebingen Variant Classification Criteria Version 2. Collection method: clinical testing. Allele origin: germline. Affected: yes. Observed: 1 variant allele.
Comment: SUPT16H: BP4, BS1:Supporting

NM_007192.4(SUPT16H):c.1396-3C>T

Gene: SUPT16H (SPT16 homolog, facilitates chromatin remodeling subunit; minus strand). Cytogenetic location: 14q11.2.
Variant type: single nucleotide variant.
Coding change: c.1396-3C>T on transcript NM_007192.4 (MANE Select); 3 bases into the intron before coding-DNA position 1396, C replaced by T.
Molecular consequence: intron variant.
Genome position (GRCh38, 1-based): chr14:21,363,152, G>A on the plus strand (C>T on the coding strand, the complement: SUPT16H is on the minus strand). VCF-style: chr14-21363152-G-A. GRCh37 (hg19) VCF-style: chr14-21831311-G-A.
Identifiers: ClinVar variation 3388589 (VCV003388589.15).